The following is an entry in ClinVar:

NM_144991.3(TSPEAR):c.542+15G>A

Gene: TSPEAR (thrombospondin type laminin G domain and EAR repeats; minus strand). Cytogenetic location: 21q22.3.
Variant type: single nucleotide variant.
Coding change: c.542+15G>A on transcript NM_144991.3 (MANE Select); 15 bases into the intron after coding-DNA position 542, G replaced by A.
Molecular consequence: intron variant.
Genome position (GRCh38, 1-based): chr21:44,533,670, C>T on the plus strand (G>A on the coding strand, the complement: TSPEAR is on the minus strand). VCF-style: chr21-44533670-C-T. GRCh37 (hg19) VCF-style: chr21-45953553-C-T.
Other names: c.338+15G>A (NM_001272037.2).
Identifiers: ClinVar variation 228054 (VCV000228054.13), dbSNP rs587599565, ClinGen allele CA10056980.

ClinVar aggregate classification (germline): Likely benign. Review status: criteria provided, multiple submitters, no conflicts (2 of 4 stars). 4 submissions from 4 submitters: Likely benign (4). Last evaluated 2024-09-12.

Allele frequency attached by ClinVar (database versions not stated): ExAC 0.00013; 1000 Genomes Project 30x 0.00016; TOPMed 0.00019; 1000 Genomes Project 0.00020; gnomAD 0.00025.
gnomAD v4.1: 222 of 1,592,484 alleles (0.014%); highest among the groups gnomAD compares: East Asian, 0.13%; no homozygotes.

Submissions (4):

Blueprint Genetics
Classification: Likely benign. Last evaluated: 2024-09-12. Review status: criteria provided, single submitter. Criteria: ACMG Guidelines, 2015. Collection method: clinical testing. Allele origin: germline.

Labcorp Genetics (formerly Invitae), Labcorp
Classification: Likely benign. Last evaluated: 2022-10-21. Review status: criteria provided, single submitter. Criteria: Invitae Variant Classification Sherloc (09022015). Collection method: clinical testing. Allele origin: germline.

GeneDx
Classification: Likely benign. Last evaluated: 2021-04-11. Review status: criteria provided, single submitter. Criteria: GeneDx Variant Classification Process June 2021. Collection method: clinical testing. Allele origin: germline. Affected: yes.

Laboratory for Molecular Medicine, Mass General Brigham Personalized Medicine
Classification: Likely benign. Last evaluated: 2015-09-30. Review status: criteria provided, single submitter. Criteria: LMM Criteria. Collection method: clinical testing. Allele origin: germline. Observed: 1 variant allele.
Comment: c.542+15G>A in intron 3 of TSPEAR: This variant is not expected to have clinical significance because it is not located within the splice consensus sequence, an d it is not predicted to impact splicing. It has it has been identified in 0.12 % (9/7686) of East Asian chromosomes by the Exome Aggregation Consortium (ExAC,, dbSNP rs587599565).